The following is an entry in ClinVar:

NM_176787.5(PIGN):c.963+6C>T

Gene: PIGN (phosphatidylinositol glycan anchor biosynthesis class N; minus strand). Cytogenetic location: 18q21.33.
Variant type: single nucleotide variant.
Coding change: c.963+6C>T on transcript NM_176787.5 (MANE Select); 6 bases into the intron after coding-DNA position 963, C replaced by T.
Molecular consequence: intron variant.
Genome position (GRCh38, 1-based): chr18:62,143,300, G>A on the plus strand (C>T on the coding strand, the complement: PIGN is on the minus strand). VCF-style: chr18-62143300-G-A. GRCh37 (hg19) VCF-style: chr18-59810533-G-A.
Other names: c.963+6C>T (NM_012327.6).
Identifiers: ClinVar variation 1021050 (VCV001021050.4), dbSNP rs2036201999, ClinGen allele CA2308194085.

ClinVar aggregate classification (germline): Uncertain significance (1 of 4 stars; one submission).

Conditions:
Multiple congenital anomalies-hypotonia-seizures syndrome 1 (MCAHS1). Also called: PIGN-CDG; Congenital disorder of glycosylation due to PIGN deficiency; GLYCOSYLPHOSPHATIDYLINOSITOL BIOSYNTHESIS DEFECT 3. Identifiers: Orphanet 280633, MedGen C3279775, MONDO:0013563, OMIM 614080.

Allele frequency attached by ClinVar (database versions not stated): gnomAD exomes below 0.00001.
gnomAD v4.1: 5 of 1,466,806 alleles (0.00034%); highest among the groups gnomAD compares: Non-Finnish European, 0.00047%; no homozygotes.

Submission:

Labcorp Genetics (formerly Invitae), Labcorp
Classification: Uncertain significance for Multiple congenital anomalies-hypotonia-seizures syndrome 1. Last evaluated: 2021-02-09. Review status: criteria provided, single submitter. Criteria: Invitae Variant Classification Sherloc (09022015). Collection method: clinical testing. Allele origin: germline.
Comment: This sequence change falls in intron 11 of the PIGN gene. It does not directly change the encoded amino acid sequence of the PIGN protein, but it affects a nucleotide within the consensus splice site of the intron. This variant is not present in population databases (ExAC no frequency). This variant has not been reported in the literature in individuals with PIGN-related conditions. Nucleotide substitutions within the consensus splice site are a relatively common cause of aberrant splicing (PMID: 17576681, 9536098). Algorithms developed to predict the effect of sequence changes on RNA splicing suggest that this variant is not likely to affect RNA splicing, but this prediction has not been confirmed by published transcriptional studies. In summary, the available evidence is currently insufficient to determine the role of this variant in disease. Therefore, it has been classified as a Variant of Uncertain Significance.

Literature cited by the submitters: PubMed 17576681; PubMed 9536098.